The following is an entry in ClinVar:

NM_000498.3(CYP11B2):c.400G>A (p.Gly134Arg)

Genes: CYP11B2 (cytochrome P450 family 11 subfamily B member 2; minus strand), LOC106799834 (CYP11B2 recombination region; plus strand). Cytogenetic location: 8q24.3.
Variant type: single nucleotide variant.
Coding change: c.400G>A on transcript NM_000498.3 (MANE Select); coding-DNA position 400, G replaced by A.
Protein change: p.Gly134Arg; replaces glycine 134 with arginine.
Molecular consequence: missense variant.
Genome position (GRCh38, 1-based): chr8:142,915,241, C>T on the plus strand (G>A on the coding strand, the complement: CYP11B2 is on the minus strand). VCF-style: chr8-142915241-C-T. GRCh37 (hg19) VCF-style: chr8-143996657-C-T.
Other names: short protein forms G134R.
Identifiers: ClinVar variation 2674682 (VCV002674682.1), dbSNP rs781244906, ClinGen allele CA4906218.

ClinVar aggregate classification (germline): Likely pathogenic (1 of 4 stars; one submission).

Conditions:
CYP11B2-related disorder.

Submission:

Clinical Biochemistry Laboratory, Health Services Laboratory
Classification: Likely pathogenic for CYP11B2-related disorder. Last evaluated: 2023-11-20. Review status: criteria provided, single submitter. Criteria: ACMG Guidelines, 2015. Collection method: clinical testing. Allele origin: germline. Affected: yes.
Comment: ACMG:PS5 PM2 PP3 PP4